The following is an entry in ClinVar:

NM_002432.3(MNDA):c.632C>T (p.Pro211Leu)

Gene: MNDA (myeloid cell nuclear differentiation antigen; plus strand). Cytogenetic location: 1q23.1.
Variant type: single nucleotide variant.
Coding change: c.632C>T on transcript NM_002432.3 (MANE Select); coding-DNA position 632, C replaced by T.
Protein change: p.Pro211Leu; replaces proline 211 with leucine.
Molecular consequence: missense variant.
Genome position (GRCh38, 1-based): chr1:158,845,648, C>T. VCF-style: chr1-158845648-C-T. GRCh37 (hg19) VCF-style: chr1-158815438-C-T.
Other names: short protein forms P211L.
Identifiers: ClinVar variation 3222204 (VCV003222204.1), dbSNP rs765906678, ClinGen allele CA343040852.
Genomic context (GRCh38, chr1:158,845,648, plus strand): 5'-ATCAGGAAACCCAGGCCCAACGGCAGGTGGATGCAAGAAGAAATGTTCCCCAAAACGACC[C>T]AGTGACAGTGGTGGTACTGAAAGCAACAGCGCCATTTAAATACGAGTCCCCAGAAAATGG-3'
Protein context (NP_002423.1, residues 201-221): DARRNVPQND[Pro211Leu]VTVVVLKATA

ClinVar aggregate classification (germline): Uncertain significance (1 of 4 stars; one submission).

Submission:

Ambry Genetics
Classification: Uncertain significance. Last evaluated: 2023-12-21. Review status: criteria provided, single submitter. Criteria: Ambry Variant Classification Scheme 2023. Collection method: clinical testing. Allele origin: germline.
Comment: The p.P211L variant (also known as c.632C>T), located in coding exon 4 of the MNDA gene, results from a C to T substitution at nucleotide position 632. The proline at codon 211 is replaced by leucine, an amino acid with similar properties. This amino acid position is conserved. In addition, this alteration is predicted to be tolerated by in silico analysis. Since supporting evidence is limited at this time, the clinical significance of this alteration remains unclear.